The following is an entry in ClinVar:

ClinVar aggregate classification (germline): Uncertain significance (1 of 4 stars; one submission).

Conditions:
POLD1-related polyposis and colorectal cancer syndrome (CRCS10). Also called: Colorectal cancer, susceptibility to, 10; Colorectal cancer 10; COLORECTAL CANCER, SUSCEPTIBILITY TO, ON CHROMOSOME 19q. Identifiers: Orphanet 220460, MedGen C2675481, MONDO:0012953, OMIM 612591.

Submission:

Labcorp Genetics (formerly Invitae), Labcorp
Classification: Uncertain significance for POLD1-related polyposis and colorectal cancer syndrome. Last evaluated: 2024-08-28. Review status: criteria provided, single submitter. Criteria: Invitae Variant Classification Sherloc (09022015). Collection method: clinical testing. Allele origin: germline.
Comment: This sequence change replaces valine, which is neutral and non-polar, with glycine, which is neutral and non-polar, at codon 122 of the POLD1 protein (p.Val122Gly). This variant is not present in population databases (gnomAD no frequency). This variant has not been reported in the literature in individuals affected with POLD1-related conditions. ClinVar contains an entry for this variant (Variation ID: 1390654). Invitae Evidence Modeling of protein sequence and biophysical properties (such as structural, functional, and spatial information, amino acid conservation, physicochemical variation, residue mobility, and thermodynamic stability) indicates that this missense variant is not expected to disrupt POLD1 protein function with a negative predictive value of 80%. In summary, the available evidence is currently insufficient to determine the role of this variant in disease. Therefore, it has been classified as a Variant of Uncertain Significance.

NM_002691.4(POLD1):c.365T>G (p.Val122Gly)

Gene: POLD1 (DNA polymerase delta 1, catalytic subunit; plus strand). Cytogenetic location: 19q13.33.
Variant type: single nucleotide variant.
Coding change: c.365T>G on transcript NM_002691.4 (MANE Select); coding-DNA position 365, T replaced by G.
Protein change: p.Val122Gly; replaces valine 122 with glycine.
Molecular consequence: missense variant. On other transcripts: non-coding transcript variant (1).
Genome position (GRCh38, 1-based): chr19:50,401,826, T>G. VCF-style: chr19-50401826-T-G. GRCh37 (hg19) VCF-style: chr19-50905083-T-G.
Other names: c.365T>G, p.Val122Gly (NM_001256849.1, NM_001308632.1); short protein forms V122G.
Identifiers: ClinVar variation 1390654 (VCV001390654.6), dbSNP rs2122232967, ClinGen allele CA406972276.